The following is an entry in ClinVar:

NM_001330360.2(POLA1):c.2512A>G (p.Lys838Glu)

Gene: POLA1 (DNA polymerase alpha 1, catalytic subunit; plus strand). Cytogenetic location: Xp22.11.
Variant type: single nucleotide variant.
Coding change: c.2512A>G on transcript NM_001330360.2 (MANE Select); coding-DNA position 2512, A replaced by G.
Protein change: p.Lys838Glu; replaces lysine 838 with glutamic acid.
Molecular consequence: missense variant. On other transcripts: non-coding transcript variant (2).
Genome position (GRCh38, 1-based): chrX:24,743,275, A>G. VCF-style: chrX-24743275-A-G. GRCh37 (hg19) VCF-style: chrX-24761392-A-G.
Other names: c.2437A>G, p.Lys813Glu (NM_001378303.1); c.2494A>G, p.Lys832Glu (NM_016937.4); short protein forms K813E, K832E, K838E.
Identifiers: ClinVar variation 2635291 (VCV002635291.2), dbSNP rs2518841905, ClinGen allele CA412537187.

ClinVar aggregate classification (germline): Uncertain significance (1 of 4 stars; one submission).

Conditions:
POLA1-related disorder. Also called: POLA1-related condition.

Allele frequency attached by ClinVar (database versions not stated): gnomAD exomes below 0.00001.
gnomAD v4.1: 1 of 1,174,377 alleles (0.000085%); highest among the groups gnomAD compares: Admixed American, 0.0022%; no homozygotes.

Submission:

PreventionGenetics, part of Exact Sciences
Classification: Uncertain significance for POLA1-related condition. Last evaluated: 2025-06-23. Review status: criteria provided, single submitter. Criteria: ACMG Guidelines, 2015. Collection method: clinical testing. Allele origin: germline.
Comment: The POLA1 c.2494A>G variant is predicted to result in the amino acid substitution p.Lys832Glu. To our knowledge, this variant has not been reported in the literature or in a large population database (gnomAD), indicating this variant is rare. At this time, the clinical significance of this variant is uncertain due to the absence of conclusive functional and genetic evidence.